The following is an entry in ClinVar:

ClinVar aggregate classification (germline): Benign/Likely benign. Review status: criteria provided, multiple submitters, no conflicts (2 of 4 stars). 3 submissions from 3 submitters: Benign (2); Likely benign (1). Last evaluated 2026-02-01.

Allele frequency attached by ClinVar (database versions not stated): 1000 Genomes Project 30x 0.00297; 1000 Genomes Project 0.00300; gnomAD 0.00394 and 0.00395; ESP Exome Variant Server 0.00415; gnomAD exomes 0.00423 and 0.00516; ExAC 0.00454; TOPMed 0.00462.
gnomAD v4.1: 8,145 of 1,604,698 alleles (0.51%); highest among the groups gnomAD compares: Middle Eastern, 2.1%; 44 homozygotes.

Submissions (3):

Labcorp Genetics (formerly Invitae), Labcorp
Classification: Benign. Last evaluated: 2026-02-01. Review status: criteria provided, single submitter. Criteria: Invitae Variant Classification Sherloc (09022015). Collection method: clinical testing. Allele origin: germline.

CeGaT Center for Human Genetics Tuebingen
Classification: Likely benign. Last evaluated: 2025-10-01. Review status: criteria provided, single submitter. Criteria: CeGaT Center For Human Genetics Tuebingen Variant Classification Criteria Version 2. Collection method: clinical testing. Allele origin: germline. Affected: yes. Observed: 4 variant alleles.
Comment: LZTS1: BS2

Breakthrough Genomics
Classification: Benign. Review status: criteria provided, single submitter. Criteria: ACMG Guidelines, 2015. Collection method: not provided. Allele origin: germline. Inheritance: Autosomal dominant inheritance. Affected: yes.

NM_021020.5(LZTS1):c.338T>C (p.Leu113Pro)

Gene: LZTS1 (leucine zipper tumor suppressor 1; minus strand). Cytogenetic location: 8p21.3.
Variant type: single nucleotide variant.
Coding change: c.338T>C on transcript NM_021020.5 (MANE Select); coding-DNA position 338, T replaced by C.
Protein change: p.Leu113Pro; replaces leucine 113 with proline.
Molecular consequence: missense variant.
Genome position (GRCh38, 1-based): chr8:20,254,844, A>G on the plus strand (T>C on the coding strand, the complement: LZTS1 is on the minus strand). VCF-style: chr8-20254844-A-G. GRCh37 (hg19) VCF-style: chr8-20112355-A-G.
Other names: c.338T>C, p.Leu113Pro (NM_001362884.2); short protein forms L113P.
Identifiers: ClinVar variation 778391 (VCV000778391.32), dbSNP rs149140637, ClinGen allele CA4657556.